The following is an entry in ClinVar:

NM_002439.5(MSH3):c.1171G>A (p.Val391Met)

Gene: MSH3 (mutS homolog 3; plus strand). Cytogenetic location: 5q14.1.
Variant type: single nucleotide variant.
Coding change: c.1171G>A on transcript NM_002439.5 (MANE Select); coding-DNA position 1171, G replaced by A.
Protein change: p.Val391Met; replaces valine 391 with methionine.
Molecular consequence: missense variant.
Genome position (GRCh38, 1-based): chr5:80,675,126, G>A. VCF-style: chr5-80675126-G-A. GRCh37 (hg19) VCF-style: chr5-79970945-G-A.
Other names: short protein forms V391M.
Identifiers: ClinVar variation 5024763 (VCV005024763.1).
Genomic context (GRCh38, chr5:80,675,126, plus strand): 5'-ATCTCTGAAAATAAGGAAAATGTTAGGGACAAAAAAAAGGGCAACATTTTTATTGGCATT[G>A]TGGTAAGTACTTTGCAGGTGAGGAACAAATGTTAGATGTTCATGGTATCTCTAAATATGA-3'
Protein context (NP_002430.3, residues 381-401): KKKGNIFIGI[Val391Met]GVQPATGEVV

ClinVar aggregate classification (germline): Uncertain significance (1 of 4 stars; one submission).

Conditions:
Hereditary cancer-predisposing syndrome. Also called: Neoplastic Syndromes, Hereditary; Tumor predisposition; Hereditary neoplastic syndrome; Hereditary Cancer Syndrome. Identifiers: Orphanet 140162, MedGen C0027672, MeSH D009386, MONDO:0015356.

Submission:

Ambry Genetics
Classification: Uncertain significance for Hereditary cancer-predisposing syndrome. Last evaluated: 2026-07-02. Review status: criteria provided, single submitter. Criteria: Ambry Variant Classification Scheme 2023. Collection method: clinical testing. Allele origin: germline.
Comment: The p.V391M variant (also known as c.1171G>A), located in coding exon 7 of the MSH3 gene, results from a G to A substitution at nucleotide position 1171. The valine at codon 391 is replaced by methionine, an amino acid with highly similar properties. This amino acid position is conserved. In addition, this alteration is predicted to be deleterious by in silico analysis. Based on the available evidence, the clinical significance of this variant remains unclear.